The following is an entry in ClinVar:

ClinVar aggregate classification (germline): Uncertain significance (1 of 4 stars; one submission).

Conditions:
Pitt-Hopkins-like syndrome 2 (PTHSL2). Identifiers: Orphanet 221150, Orphanet 600663, MedGen C3280479, MONDO:0013690, OMIM 614325.

Allele frequency attached by ClinVar (database versions not stated): gnomAD exomes below 0.00001.
gnomAD v4.1: 1 of 1,598,004 alleles (0.000063%); highest among the groups gnomAD compares: Non-Finnish European, 0.000085%; no homozygotes.

Submission:

Labcorp Genetics (formerly Invitae), Labcorp
Classification: Uncertain significance for Pitt-Hopkins-like syndrome 2. Last evaluated: 2021-07-21. Review status: criteria provided, single submitter. Criteria: Invitae Variant Classification Sherloc (09022015). Collection method: clinical testing. Allele origin: germline.
Comment: This sequence change replaces asparagine with serine at codon 1284 of the NRXN1 protein (p.Asn1284Ser). The asparagine residue is highly conserved and there is a small physicochemical difference between asparagine and serine. This variant is not present in population databases (ExAC no frequency). This variant has not been reported in the literature in individuals with NRXN1-related conditions. Algorithms developed to predict the effect of missense changes on protein structure and function are either unavailable or do not agree on the potential impact of this missense change (SIFT: "Tolerated"; PolyPhen-2: "Possibly Damaging"; Align-GVGD: "Class C0"). In summary, the available evidence is currently insufficient to determine the role of this variant in disease. Therefore, it has been classified as a Variant of Uncertain Significance.

NM_001330078.2(NRXN1):c.3731A>G (p.Asn1244Ser)

Gene: NRXN1 (neurexin 1; minus strand). Cytogenetic location: 2p16.3.
Variant type: single nucleotide variant.
Coding change: c.3731A>G on transcript NM_001330078.2 (MANE Select); coding-DNA position 3731, A replaced by G.
Protein change: p.Asn1244Ser; replaces asparagine 1244 with serine.
Molecular consequence: missense variant. On other transcripts: intron variant (8).
Genome position (GRCh38, 1-based): chr2:50,055,032, T>C on the plus strand (A>G on the coding strand, the complement: NRXN1 is on the minus strand). VCF-style: chr2-50055032-T-C. GRCh37 (hg19) VCF-style: chr2-50282170-T-C.
Other names: c.3851A>G, p.Asn1284Ser (NM_001135659.3); c.3707A>G, p.Asn1236Ser (NM_001330077.2, NM_001330082.2); c.3665A>G, p.Asn1222Ser (NM_001330084.2); c.3704A>G, p.Asn1235Ser (NM_001330085.2); c.3731A>G, p.Asn1244Ser (NM_001330086.2); c.626A>G, p.Asn209Ser (NM_001330091.2, NM_001330092.2); c.3728A>G, p.Asn1243Ser (NM_001330093.2); c.3719A>G, p.Asn1240Ser (NM_001330094.2); and 6 more; short protein forms N1222S, N209S, N1244S, N1235S, N1236S, N1243S, N1240S, N1284S.
Identifiers: ClinVar variation 1407592 (VCV001407592.8), dbSNP rs772457165, ClinGen allele CA346820186.